The following is an entry in ClinVar:

ClinVar aggregate classification (germline): Pathogenic (1 of 4 stars; one submission).

Conditions:
Familial thoracic aortic aneurysm and aortic dissection (TAAD). Also called: Thoracic aortic aneurysms and dissections. Identifiers: Orphanet 91387, MedGen C4707243, MONDO:0019625.

Submission:

Ambry Genetics
Classification: Pathogenic for Familial thoracic aortic aneurysm and aortic dissection. Last evaluated: 2022-02-15. Review status: criteria provided, single submitter. Criteria: Ambry Variant Classification Scheme 2023. Collection method: clinical testing. Allele origin: germline.
Comment: The c.3982_3986dupTTTGG variant, located in coding exon 49 of the COL3A1 gene, results from a duplication of TTTGG at nucleotide position 3982, causing a translational frameshift with a predicted alternate stop codon (p.E1330Lfs*59). This variant is considered to be rare based on population cohorts in the Genome Aggregation Database (gnomAD). This alteration is expected to result in loss of function by premature protein truncation or nonsense-mediated mRNA decay. As such, this alteration is interpreted as a disease-causing mutation.

NM_000090.4(COL3A1):c.3982_3986dup (p.Glu1330fs)

Gene: COL3A1 (collagen type III alpha 1 chain; plus strand). Cytogenetic location: 2q32.2.
Variant type: Microsatellite.
Coding change: c.3982_3986dup on transcript NM_000090.4 (MANE Select); coding-DNA positions 3982 to 3986, 5 bases duplicated (TTTGG; older notation c.3982_3986dupTTTGG).
Protein change: p.Glu1330fs; shifts the reading frame from glutamic acid 1330.
Molecular consequence: frameshift variant.
Genome position (GRCh38, 1-based): chr2:189,010,336-189,010,340, TTTGG duplicated; duplicating any 5 consecutive bases within chr2:189,010,330-189,010,340 gives the same sequence; the c. name uses the placement nearest the transcript's 3' end. VCF-style (leftmost placement, unchanged base first): chr2-189010329-C-CGTTTG. GRCh37 (hg19) VCF-style: chr2-189875055-C-CGTTTG.
Other names: c.3977_3981TTTGG[3], p.Glu1330Leufs (NM_000090.3); c.3982_3986dupTTTGG (NM_000090.3); short protein forms E1330fs.
Identifiers: ClinVar variation 1736710 (VCV001736710.2), dbSNP rs2469169214, ClinGen allele CA2580616654.